The following is an entry in ClinVar:

ClinVar aggregate classification (germline): Uncertain significance (1 of 4 stars; one submission).

Conditions:
Arrhythmogenic right ventricular dysplasia 12. Also called: ARRHYTHMOGENIC RIGHT VENTRICULAR DYSPLASIA, FAMILIAL, 12. Identifiers: MedGen C1969081, MONDO:0012684, OMIM 611528.
Naxos disease (NXD). Also called: PALMOPLANTAR KERATODERMA WITH ARRHYTHMOGENIC RIGHT VENTRICULAR CARDIOMYOPATHY AND WOOLLY HAIR; WOOLLY HAIR, PALMOPLANTAR KERATODERMA, AND CARDIAC ABNORMALITIES; CARDIOMYOPATHY, ARRHYTHMOGENIC RIGHT VENTRICULAR, WITH SKIN, HAIR, AND NAIL ABNORMALITIES; KERATOSIS PALMOPLANTARIS WITH ARRHYTHMOGENIC CARDIOMYOPATHY; MAL DE NAXOS. Identifiers: Orphanet 34217, MedGen C1832600, MONDO:0011017, OMIM 601214.

gnomAD v4.1: 2 of 1,611,770 alleles (0.00012%); highest among the groups gnomAD compares: Non-Finnish European, 0.00017%; no homozygotes.

Submission:

Labcorp Genetics (formerly Invitae), Labcorp
Classification: Uncertain significance for Arrhythmogenic right ventricular dysplasia 12; Naxos disease. Last evaluated: 2021-07-21. Review status: criteria provided, single submitter. Criteria: Invitae Variant Classification Sherloc (09022015). Collection method: clinical testing. Allele origin: germline.
Comment: This variant has not been reported in the literature in individuals affected with JUP-related conditions. In summary, the available evidence is currently insufficient to determine the role of this variant in disease. Therefore, it has been classified as a Variant of Uncertain Significance. Algorithms developed to predict the effect of missense changes on protein structure and function (SIFT, PolyPhen-2, Align-GVGD) all suggest that this variant is likely to be tolerated. This variant is not present in population databases (ExAC no frequency). This sequence change replaces arginine with serine at codon 526 of the JUP protein (p.Arg526Ser). The arginine residue is moderately conserved and there is a moderate physicochemical difference between arginine and serine.

NM_002230.4(JUP):c.1576C>A (p.Arg526Ser)

Gene: JUP (junction plakoglobin; minus strand). Cytogenetic location: 17q21.2.
Variant type: single nucleotide variant.
Coding change: c.1576C>A on transcript NM_002230.4 (MANE Select); coding-DNA position 1576, C replaced by A.
Protein change: p.Arg526Ser; replaces arginine 526 with serine.
Molecular consequence: missense variant.
Genome position (GRCh38, 1-based): chr17:41,758,792, G>T on the plus strand (C>A on the coding strand, the complement: JUP is on the minus strand). VCF-style: chr17-41758792-G-T. GRCh37 (hg19) VCF-style: chr17-39915044-G-T.
Other names: c.1576C>A, p.Arg526Ser (NM_001352773.2, NM_001352774.2, NM_001352775.2 and 3 more transcripts); short protein forms R526S.
Identifiers: ClinVar variation 1492213 (VCV001492213.8), dbSNP rs782309611, ClinGen allele CA399493817.